The following is an entry in ClinVar:

NM_133379.5(TTN):c.14820G>A (p.Val4940=)

Genes: TTN (titin; minus strand), LOC126806432 (CDK7 strongly-dependent group 2 enhancer GRCh37_chr2:179611985-179613184; plus strand). Cytogenetic location: 2q31.2.
Variant type: single nucleotide variant.
Coding change: c.14820G>A on transcript NM_133379.5; coding-DNA position 14820, G replaced by A.
Protein change: p.Val4940=; no amino-acid change (valine 4940 retained).
Molecular consequence: synonymous variant. On other transcripts: intron variant (6).
Genome position (GRCh38, 1-based): chr2:178,747,580, C>T on the plus strand (G>A on the coding strand, the complement: TTN is on the minus strand). VCF-style: chr2-178747580-C-T. GRCh37 (hg19) VCF-style: chr2-179612307-C-T.
Other names: p.V4940V:GTG>GTA; c.10222+5544G>A (NM_003319.4); c.10798+5544G>A (NM_133437.4); c.10597+5544G>A (NM_133432.3); c.10360+5544G>A (NM_133378.4, NM_001256850.1); c.11311+5544G>A (NM_001267550.2); c.14820G>A (NM_133379.4).
Identifiers: ClinVar variation 202292 (VCV000202292.39), dbSNP rs145029589, ClinGen allele CA308990.

ClinVar aggregate classification (germline): Benign/Likely benign. Review status: criteria provided, multiple submitters, no conflicts (2 of 4 stars). 8 submissions from 8 submitters: Benign (3); Likely benign (2). 3 of the submissions do not count toward it. Last evaluated 2025-04-09.

Conditions:
TTN-related disorder. Also called: TTN-related condition; TTN-related disease; TTN-related disorders.

Allele frequency attached by ClinVar (database versions not stated): gnomAD exomes 0.00017 and 0.00044; ExAC 0.00060; TOPMed 0.00153; gnomAD 0.00160 and 0.00169; ESP Exome Variant Server 0.00169; 1000 Genomes Project 0.00300; 1000 Genomes Project 30x 0.00328.
gnomAD v4.1: 488 of 1,613,248 alleles (0.03%); highest among the groups gnomAD compares: African/African-American, 0.61%; 1 homozygote.

Submissions (8):

Molecular Diagnostic Laboratory for Inherited Cardiovascular Disease, Montreal Heart Institute
Classification: Benign. Last evaluated: 2025-04-09. Review status: criteria provided, single submitter. Criteria: ACMG Guidelines, 2015. Collection method: clinical testing. Allele origin: germline. Affected: no.

Blueprint Genetics
Classification: Likely benign. Last evaluated: 2023-12-08. Review status: criteria provided, single submitter. Criteria: ACMG Guidelines, 2015. Collection method: clinical testing. Allele origin: germline.

CeGaT Center for Human Genetics Tuebingen
Classification: Likely benign. Last evaluated: 2022-09-01. Review status: criteria provided, single submitter. Criteria: CeGaT Center For Human Genetics Tuebingen Variant Classification Criteria Version 2. Collection method: clinical testing. Allele origin: germline. Affected: yes. Observed: 1 variant allele.
Comment: TTN: BP4, BP7

Eurofins Ntd Llc (ga)
Classification: Benign. Last evaluated: 2016-11-20. Review status: criteria provided, single submitter. Criteria: EGL Classification Definitions 2015. Collection method: clinical testing. Allele origin: germline. Observed: 1 variant allele, 1 heterozygote.

GeneDx
Classification: Benign. Last evaluated: 2014-06-19. Review status: criteria provided, single submitter. Criteria: GeneDx Variant Classification (06012015). Collection method: clinical testing. Allele origin: germline. Affected: yes.
Comment: This variant is considered likely benign or benign based on one or more of the following criteria: it is a conservative change, it occurs at a poorly conserved position in the protein, it is predicted to be benign by multiple in silico algorithms, and/or has population frequency not consistent with disease.

PreventionGenetics, part of Exact Sciences
Classification: Likely benign for TTN-related condition. Last evaluated: 2021-11-14. Review status: no assertion criteria provided. Collection method: clinical testing. Allele origin: germline. Not counted in ClinVar's aggregate classification.
Comment: This variant is classified as likely benign based on ACMG/AMP sequence variant interpretation guidelines (Richards et al. 2015 PMID: 25741868, with internal and published modifications).

Clinical Genetics DNA and cytogenetics Diagnostics Lab, Erasmus MC, Erasmus Medical Center
Classification: Likely benign. Review status: no assertion criteria provided. Collection method: clinical testing. Allele origin: germline. Affected: yes. Study: VKGL Data-share Consensus. Not counted in ClinVar's aggregate classification.

Clinical Genetics, Academic Medical Center
Classification: Benign. Review status: no assertion criteria provided. Collection method: clinical testing. Allele origin: germline. Affected: yes. Study: VKGL Data-share Consensus. Not counted in ClinVar's aggregate classification.

Literature cited by the submitters: N:\Bioinformatics\EmBase\data\INPUT\TTN interpretation.docx (cited by Eurofins Ntd Llc (ga)).